The following is an entry in ClinVar:

ClinVar aggregate classification (germline): Uncertain significance (1 of 4 stars; one submission).

Allele frequency attached by ClinVar (database versions not stated): gnomAD exomes 0.00001.
gnomAD v4.1: 10 of 1,613,766 alleles (0.00062%); highest among the groups gnomAD compares: Non-Finnish European, 0.00085%; no homozygotes.

Submission:

Ambry Genetics
Classification: Uncertain significance. Last evaluated: 2023-05-14. Review status: criteria provided, single submitter. Criteria: Ambry Variant Classification Scheme 2023. Collection method: clinical testing. Allele origin: germline.
Comment: The p.D1320N variant (also known as c.3958G>A), located in coding exon 16 of the POLQ gene, results from a G to A substitution at nucleotide position 3958. The aspartic acid at codon 1320 is replaced by asparagine, an amino acid with highly similar properties. This amino acid position is conserved. In addition, this alteration is predicted to be tolerated by in silico analysis. Since supporting evidence is limited at this time, the clinical significance of this alteration remains unclear.

NM_199420.4(POLQ):c.3958G>A (p.Asp1320Asn)

Gene: POLQ (DNA polymerase theta; minus strand). Cytogenetic location: 3q13.33.
Variant type: single nucleotide variant.
Coding change: c.3958G>A on transcript NM_199420.4 (MANE Select); coding-DNA position 3958, G replaced by A.
Protein change: p.Asp1320Asn; replaces aspartic acid 1320 with asparagine.
Molecular consequence: missense variant.
Genome position (GRCh38, 1-based): chr3:121,488,973, C>T on the plus strand (G>A on the coding strand, the complement: POLQ is on the minus strand). VCF-style: chr3-121488973-C-T. GRCh37 (hg19) VCF-style: chr3-121207820-C-T.
Other names: short protein forms D1320N.
Identifiers: ClinVar variation 2563841 (VCV002563841.2), dbSNP rs2048039097, ClinGen allele CA354096556.